The following is an entry in ClinVar:

ClinVar aggregate classification (germline): Likely pathogenic (1 of 4 stars; one submission).

Conditions:
Dilated cardiomyopathy 1G (CMD1G). Identifiers: Orphanet 154, MedGen C1858763, MONDO:0011400, OMIM 604145.

Submission:

KardioGenetik, Herz- und Diabeteszentrum NRW
Classification: Likely pathogenic for Dilated cardiomyopathy 1G. Last evaluated: 2025-01-06. Review status: criteria provided, single submitter. Criteria: ACMG Guidelines, 2015. Collection method: clinical testing. Allele origin: unknown. Affected: yes. Observed: 1 variant allele.
Comment: The TTN variant has not been described in the scientific literature or in the databases so far. It is not found in the general population cohorts of the gnomAD database, with an allele frequency of zero. The TTN variant is located in the I-band of titin and results in the introduction of a premature stop codon. This truncating variant affects all cardiac isoforms of titin, which are consequently impacted by the premature termination of translation (88% of the protein is missing). Based on their studies of TTN RNA and TTN expression in the left ventricular tissue of patients with dilated cardiomyopathy, it has been shown that truncating TTN variants are stably expressed but form intracellular protein aggregates, rendering them nonfunctional (PMID 34731013). This leads to haploinsufficiency with less intact titin in the cell and corresponds to the pathogenic mechanism for DCM-causing truncating TTN variants as documented in the Clinical Genome Resource (ClinGen). It should be noted, however, that likely pathogenic truncating TTN variants are typically localized in the A-band of titin and have mostly been detected in adult DCM patients (PMID 37477868). (PVS1, PM2_supporting)

NM_001267550.2(TTN):c.12946C>T (p.Gln4316Ter)

Gene: TTN (titin; minus strand). Cytogenetic location: 2q31.2.
Variant type: single nucleotide variant.
Coding change: c.12946C>T on transcript NM_001267550.2 (MANE Select); coding-DNA position 12946, C replaced by T.
Protein change: p.Gln4316Ter; replaces glutamine 4316 with a stop codon.
Molecular consequence: nonsense. On other transcripts: intron variant (1).
Genome position (GRCh38, 1-based): chr2:178,740,287, G>A on the plus strand (C>T on the coding strand, the complement: TTN is on the minus strand). VCF-style: chr2-178740287-G-A. GRCh37 (hg19) VCF-style: chr2-179605014-G-A.
Other names: c.11995C>T, p.Gln3999Ter (NM_001256850.1); c.11857C>T, p.Gln3953Ter (NM_003319.4); c.12232C>T, p.Gln4078Ter (NM_133432.3); c.12433C>T, p.Gln4145Ter (NM_133437.4); c.10361-1927C>T (NM_133378.4); short protein forms Q3953*, Q3999*, Q4078*, Q4145*, Q4316*.
Identifiers: ClinVar variation 3767305 (VCV003767305.1).